The following is an entry in ClinVar:

ClinVar aggregate classification (germline): Uncertain significance (1 of 4 stars; one submission).

Conditions:
Hereditary cancer-predisposing syndrome. Also called: Hereditary Cancer Syndrome; Hereditary neoplastic syndrome; Tumor predisposition; Neoplastic Syndromes, Hereditary. Identifiers: Orphanet 140162, MedGen C0027672, MeSH D009386, MONDO:0015356.

Submission:

Ambry Genetics
Classification: Uncertain significance for Hereditary cancer-predisposing syndrome. Last evaluated: 2022-04-10. Review status: criteria provided, single submitter. Criteria: Ambry Variant Classification Scheme 2023. Collection method: clinical testing. Allele origin: germline.
Comment: The p.N800Y variant (also known as c.2398A>T), located in coding exon 9 of the AXIN2 gene, results from an A to T substitution at nucleotide position 2398. The asparagine at codon 800 is replaced by tyrosine, an amino acid with dissimilar properties. This amino acid position is conserved. In addition, the in silico prediction for this alteration is inconclusive. Since supporting evidence is limited at this time, the clinical significance of this alteration remains unclear.

NM_004655.4(AXIN2):c.2398A>T (p.Asn800Tyr)

Gene: AXIN2 (axin 2; minus strand). Cytogenetic location: 17q24.1.
Variant type: single nucleotide variant.
Coding change: c.2398A>T on transcript NM_004655.4 (MANE Select); coding-DNA position 2398, A replaced by T.
Protein change: p.Asn800Tyr; replaces asparagine 800 with tyrosine.
Molecular consequence: missense variant.
Genome position (GRCh38, 1-based): chr17:65,533,919, T>A on the plus strand (A>T on the coding strand, the complement: AXIN2 is on the minus strand). VCF-style: chr17-65533919-T-A. GRCh37 (hg19) VCF-style: chr17-63530037-T-A.
Other names: c.2203A>T, p.Asn735Tyr (NM_001363813.1); short protein forms N735Y, N800Y.
Identifiers: ClinVar variation 1790643 (VCV001790643.2), dbSNP rs2043864921, ClinGen allele CA400675327.